The following is an entry in ClinVar:

NM_000092.5(COL4A4):c.4333+1G>T

Gene: COL4A4 (collagen type IV alpha 4 chain; minus strand). Cytogenetic location: 2q36.3.
Variant type: single nucleotide variant.
Coding change: c.4333+1G>T on transcript NM_000092.5 (MANE Select); the canonical splice donor site of the intron after coding-DNA position 4333, G replaced by T.
Molecular consequence: splice donor variant.
Genome position (GRCh38, 1-based): chr2:227,012,180, C>A on the plus strand (G>T on the coding strand, the complement: COL4A4 is on the minus strand). VCF-style: chr2-227012180-C-A. GRCh37 (hg19) VCF-style: chr2-227876896-C-A.
Identifiers: ClinVar variation 952131 (VCV000952131.8), dbSNP rs1963883799, ClinGen allele CA350836374.

ClinVar aggregate classification (germline): Likely pathogenic (1 of 4 stars; one submission).

Submission:

Labcorp Genetics (formerly Invitae), Labcorp
Classification: Likely pathogenic. Last evaluated: 2022-03-22. Review status: criteria provided, single submitter. Criteria: Invitae Variant Classification Sherloc (09022015). Collection method: clinical testing. Allele origin: germline.
Comment: This sequence change affects a donor splice site in intron 45 of the COL4A4 gene. It is expected to disrupt RNA splicing. Variants that disrupt the donor or acceptor splice site typically lead to a loss of protein function (PMID: 16199547), and loss-of-function variants in COL4A4 are known to be pathogenic (PMID: 21196518, 24854265, 25307543). This variant is not present in population databases (gnomAD no frequency). This variant has not been reported in the literature in individuals affected with COL4A4-related conditions. ClinVar contains an entry for this variant (Variation ID: 952131). Algorithms developed to predict the effect of sequence changes on RNA splicing suggest that this variant may disrupt the consensus splice site. In summary, the currently available evidence indicates that the variant is pathogenic, but additional data are needed to prove that conclusively. Therefore, this variant has been classified as Likely Pathogenic.

Literature cited by the submitters: PubMed 16199547; PubMed 21196518; PubMed 24854265; PubMed 25307543.